The following is an entry in ClinVar:

ClinVar aggregate classification (germline): Pathogenic. Review status: reviewed by expert panel (3 of 4 stars). 11 submissions from 11 submitters: Pathogenic (1). 10 of the submissions do not count toward it. Last evaluated 2024-02-22.

Conditions:
Structural eye disease.
Marfan Syndrome/Loeys-Dietz Syndrome/Familial Thoracic Aortic Aneurysms and Dissections. Identifiers: MedGen CN229799.
Marfan syndrome (MFS). Also called: MARFAN SYNDROME, TYPE I; FBN1-Related Marfan Syndrome; Marfan syndrome type 1; Marfan's syndrome; Marfan syndrome, classic. Identifiers: Orphanet 284963, Orphanet 558, MedGen C0024796, MONDO:0007947, OMIM 154700.
Familial thoracic aortic aneurysm and aortic dissection (TAAD). Also called: Thoracic aortic aneurysms and dissections. Identifiers: Orphanet 91387, MedGen C4707243, MONDO:0019625.
FBN1-related disorder. Also called: FBN1-related disorders.

Submissions (11):

ClinGen FBN1 Variant Curation Expert Panel, ClinGen
Classification: Pathogenic for Marfan syndrome. Last evaluated: 2024-02-22. Review status: reviewed by expert panel. Criteria: Assertion Criteria VCEP FBN1 Version 1. Collection method: curation. Allele origin: germline. Inheritance: Autosomal dominant inheritance.
Comment: The NM_00138 c.5743C>T is a missense variant in FBN1 predicted to cause a substitution of an arginine by cysteine at amino acid 1915 (p.Arg1915Cys) within a calcium binding EGF-like domain of the protein (PM1). This variant has been reported 6 times in ClinVar: once as pathogenic, 4 times as likely pathogenic, and once as uncertain significance (Variation ID: 495629). This variant has also been identified in at least 7 individuals with clinical diagnosis of MFS as well as in individuals with clinical features of MFS (PMID 27234404, 35916808, 33174221, 27906200, internal data; PS4). In two families with MFS, the variant was found to segregate with disease in three affected relatives (Internal lab data, PP1). Different missense variants at this position, c.5744G>A p.(Arg1915His) and c.5743C>A p.(Arg1915Ser), have previously been reported in individuals with MFS and/or MFS-related features (PMID 11700157, 31830381), however these variants have not yet been reviewed by the FBN1 Variant Curation Expert Panel. This variant is not present in gnomAD (PM2_sup). Computational prediction tools and conservation analysis are inconclusive with regards to a possible impact on this variant's protein function and structure (REVEL: 0.62). The constraint z-score for missense variants affecting FBN1 is 5.06 (PP2). In summary, this variant meets criteria to be classified as pathogenic for Marfan syndrome based on the ACMG/AMP criteria applied, as specified by the ClinGen FBN1 VCEP: PS4, PM1, PP1, PM2_Sup, PP2, PP4.

GeneDx
Classification: Likely pathogenic. Last evaluated: 2026-07-09. Review status: criteria provided, single submitter. Criteria: GeneDx Variant Classification Process June 2021. Collection method: clinical testing. Allele origin: germline. Not counted in ClinVar's aggregate classification.
Comment: Identified in patients with suspected Marfan syndrome, ectopia lentis, myopia, and pectus excavatum (PMID: 27234404, 35916808, 33174221, 38190127, 39456956); Not observed at significant frequency in large population cohorts (gnomAD); Introduces a new cysteine residue within a calcium-binding EGF-like domain of the FBN1 gene, which may affect disulfide bonding and is predicted to alter the structure and function of the protein; cysteine substitutions in the calcium-binding EGF-like domains represent the majority of pathogenic missense changes associated with FBN1-related disorders (PMID: 12938084); In silico analysis suggests that this missense variant does not alter protein structure/function; This variant is associated with the following publications: (PMID: 33174221, 27234404, 35916808, 27906200, 38190127, 12938084, 39456956)

Dasa
Classification: Pathogenic for Marfan syndrome. Last evaluated: 2026-05-03. Review status: criteria provided, single submitter. Criteria: ACMG Guidelines, 2015. Collection method: clinical testing. Allele origin: germline. Affected: yes. Observed: 1 variant allele. Not counted in ClinVar's aggregate classification.
Comment: NM_000138(FBN1):c.5743C>T (p.Arg1915Cys) is a missense variant resulting in substitution of arginine by cysteine at residue 1915 within a calcium-binding EGF-like domain of fibrillin-1, a region critical for protein structure and function and consistent with the established mechanism of Marfan syndrome caused by FBN1 missense alterations affecting these domains. The variant has been identified in multiple individuals with a clinical diagnosis of classical Marfan syndrome and Marfan-related features, including reports demonstrating segregation with disease in affected family members, and it has been described in the literature in association with Marfan syndrome (PMID: 27234404, 35916808, 33174221, 27906200). Other missense substitutions affecting the same codon have also been reported in individuals with Marfan syndrome or related phenotypes, supporting the functional importance of this residue (PMID: 11700157, 31830381). The variant has not been observed in large population datasets, and FBN1 shows strong intolerance to missense variation. Computational predictions and conservation analyses provide limited support for a deleterious effect, but the overall evidence from gene–disease mechanism, recurrence in affected individuals, and familial segregation supports a pathogenic role. Based on the available data, this variant is classified as pathogenic.

Ambry Genetics
Classification: Likely pathogenic for Familial thoracic aortic aneurysm and aortic dissection. Last evaluated: 2026-02-27. Review status: criteria provided, single submitter. Criteria: Ambry Variant Classification Scheme 2023. Collection method: clinical testing. Allele origin: germline. Not counted in ClinVar's aggregate classification.
Comment: The p.R1915C variant (also known as c.5743C>T), located in coding exon 46 of the FBN1 gene, results from a C to T substitution at nucleotide position 5743. The arginine at codon 1915 is replaced by cysteine, an amino acid with highly dissimilar properties. The majority of FBN1 mutations identified to date have involved the substitution or generation of cysteine residues within cbEGF domains (Vollbrandt T et al. J Biol Chem. 2004;279(31):32924-32931). This variant was reported in individual(s) with features consistent with Marfan syndrome and related fibrillinopathies (Yang H et al. Clin Chim Acta, 2016 Aug;459:30-35; Hern&aacute;ndiz A et al. Clin Genet, 2021 Feb;99:269-280; Andreescu N et al. Eur Rev Med Pharmacol Sci, 2022 Jul;26:5107-5114; external communication). This amino acid position is not well conserved in available vertebrate species. In addition, this alteration is predicted to be deleterious by in silico analysis. This variant is considered to be rare based on population cohorts in the Genome Aggregation Database (gnomAD). Based on the majority of available evidence to date, this variant is likely to be pathogenic.

PreventionGenetics, part of Exact Sciences
Classification: Pathogenic for FBN1-related condition. Last evaluated: 2025-07-01. Review status: criteria provided, single submitter. Criteria: ACMG Guidelines, 2015. Collection method: clinical testing. Allele origin: germline. Not counted in ClinVar's aggregate classification.
Comment: The FBN1 c.5743C>T variant is predicted to result in the amino acid substitution p.Arg1915Cys. This variant has been reported in individuals with Marfan syndrome or related phenotypes (see for example: Hernándiz et al. 2020. PubMed ID: 33174221; Andreescu et al. 2022. PubMed ID: 35916808; Table S1, Guo et al. 2024. PubMed ID: 38190127). This variant has not been reported in a large population database (gnomAD), indicating this variant is rare. This variant is interpreted as pathogenic by ClinGen FBN1 Variant Curation Expert Panel. Missense variants in FBN1 that create or destroy a cysteine residue are documented to cause Marfan syndrome (Dietz et al. 2001. [Updated 2022] PubMed ID: 20301510; Drackley et al. 2024. PubMed ID: 39741318). An alternate missense change at the same amino acid position (p.Arg1915Ser) has been reported in individuals with Marfan syndrome (Loeys et al. 2001. PubMed ID: 11700157; Table S1, Taniguchi et al. 2023. PubMed ID: 34916231). Taken together, the c.5743C>T (p.Arg1915Cys) variant is interpreted as pathogenic.

Women's Health and Genetics/Laboratory Corporation of America, LabCorp
Classification: Pathogenic for Marfan Syndrome/Loeys-Dietz Syndrome/Familial Thoracic Aortic Aneurysms and Dissections. Last evaluated: 2025-03-24. Review status: criteria provided, single submitter. Criteria: LabCorp Variant Classification Summary - May 2015. Collection method: clinical testing. Allele origin: germline. Not counted in ClinVar's aggregate classification.
Comment: Variant summary: FBN1 c.5743C>T (p.Arg1915Cys) results in a non-conservative amino acid change in the encoded protein sequence. Four of five in-silico tools predict a damaging effect of the variant on protein function. The variant was absent in 251070 control chromosomes. c.5743C>T has been reported in the literature in individuals affected with Marfan Syndrome (examples: Yang_2016, Guarnaccia_2009, Internal data). These data indicate that the variant is likely to be associated with disease. The following publications have been ascertained in the context of this evaluation (PMID: 19780835, 27234404). ClinVar contains an entry for this variant (Variation ID: 495629). Based on the evidence outlined above, the variant was classified as pathogenic.

Labcorp Genetics (formerly Invitae), Labcorp
Classification: Pathogenic for Marfan syndrome; Familial thoracic aortic aneurysm and aortic dissection. Last evaluated: 2025-03-15. Review status: criteria provided, single submitter. Criteria: Invitae Variant Classification Sherloc (09022015). Collection method: clinical testing. Allele origin: germline. Not counted in ClinVar's aggregate classification.
Comment: This sequence change replaces arginine, which is basic and polar, with cysteine, which is neutral and slightly polar, at codon 1915 of the FBN1 protein (p.Arg1915Cys). This variant is not present in population databases (gnomAD no frequency). This missense change has been observed in individuals with Marfan syndrome (PMID: 27234404, 27906200, 33174221; internal data). ClinVar contains an entry for this variant (Variation ID: 495629). Invitae Evidence Modeling of protein sequence and biophysical properties (such as structural, functional, and spatial information, amino acid conservation, physicochemical variation, residue mobility, and thermodynamic stability) has been performed for this missense variant. However, the output from this modeling did not meet the statistical confidence thresholds required to predict the impact of this variant on FBN1 protein function. This variant disrupts the p.Arg1915 amino acid residue in FBN1. Other variant(s) that disrupt this residue have been observed in individuals with FBN1-related conditions (PMID: 11700157, 27906200, 31830381), which suggests that this may be a clinically significant amino acid residue. For these reasons, this variant has been classified as Pathogenic.

North West Genomic Laboratory Hub, Manchester University NHS Foundation Trust
Classification: Pathogenic for Structural eye disease. Last evaluated: 2024-09-06. Review status: criteria provided, single submitter. Criteria: ACGS Best Practice Guidelines for Variant Classification in Rare Disease 2020. Collection method: clinical testing. Allele origin: germline. Affected: yes. Not counted in ClinVar's aggregate classification.
Comment: PP4_Supp PP2_Supp PM2_Mod PP1_Supp PS4_Str PM1_Str

MGZ Medical Genetics Center
Classification: Likely pathogenic for Marfan syndrome. Last evaluated: 2022-06-29. Review status: criteria provided, single submitter. Criteria: ACMG Guidelines, 2015. Collection method: clinical testing. Allele origin: germline. Affected: yes. Observed: 1 variant allele. Not counted in ClinVar's aggregate classification.
Comment: ACMG criteria applied: PS4, PM1, PM2_SUP, PP2, PP3

Center for Medical Genetics Ghent, University of Ghent
Classification: Uncertain significance for Marfan syndrome. Last evaluated: 2017-11-07. Review status: no assertion criteria provided. Collection method: clinical testing. Allele origin: germline. Affected: yes. Not counted in ClinVar's aggregate classification.

Clinical Molecular Genetics Laboratory, Johns Hopkins All Children's Hospital
Classification: Likely pathogenic for Marfan syndrome. Last evaluated: 2017-08-09. Review status: no assertion criteria provided. Collection method: clinical testing. Allele origin: germline. Inheritance: Autosomal dominant inheritance. Affected: yes. Observed: 1 heterozygote. Not counted in ClinVar's aggregate classification.

Literature cited by the submitters: PubMed 27234404 (cited by 3 submitters); PubMed 33174221 (cited by Ambry Genetics and Labcorp Genetics (formerly Invitae), Labcorp); PubMed 35916808 (cited by Ambry Genetics); PubMed 38190127 (cited by Ambry Genetics); PubMed 19780835 (cited by Women's Health and Genetics/Laboratory Corporation of America, LabCorp); PubMed 27906200 (cited by Labcorp Genetics (formerly Invitae), Labcorp); PubMed 11700157 (cited by Labcorp Genetics (formerly Invitae), Labcorp); PubMed 31830381 (cited by Labcorp Genetics (formerly Invitae), Labcorp).

NM_000138.5(FBN1):c.5743C>T (p.Arg1915Cys)

Gene: FBN1 (fibrillin 1; minus strand). Cytogenetic location: 15q21.1.
Variant type: single nucleotide variant.
Coding change: c.5743C>T on transcript NM_000138.5 (MANE Select); coding-DNA position 5743, C replaced by T.
Protein change: p.Arg1915Cys; replaces arginine 1915 with cysteine.
Molecular consequence: missense variant.
Genome position (GRCh38, 1-based): chr15:48,446,751, G>A on the plus strand (C>T on the coding strand, the complement: FBN1 is on the minus strand). VCF-style: chr15-48446751-G-A. GRCh37 (hg19) VCF-style: chr15-48738948-G-A.
Other names: NM_000138.5(FBN1):c.5743C>T; p.Arg1915Cys; short protein forms R1915C.
Identifiers: ClinVar variation 495629 (VCV000495629.25), dbSNP rs1555395826, ClinGen allele CA392341191.